The following is an entry in ClinVar:

NM_018127.7(ELAC2):c.2151G>A (p.Ala717=)

Gene: ELAC2 (elaC ribonuclease Z 2; minus strand). Cytogenetic location: 17p12.
Variant type: single nucleotide variant.
Coding change: c.2151G>A on transcript NM_018127.7 (MANE Select); coding-DNA position 2151, G replaced by A.
Protein change: p.Ala717=; no amino-acid change (alanine 717 retained).
Molecular consequence: synonymous variant.
Genome position (GRCh38, 1-based): chr17:12,993,789, C>T on the plus strand (G>A on the coding strand, the complement: ELAC2 is on the minus strand). VCF-style: chr17-12993789-C-T. GRCh37 (hg19) VCF-style: chr17-12897106-C-T.
Other names: c.2031G>A, p.Ala677= (NM_001165962.2); c.2148G>A, p.Ala716= (NM_173717.2).
Identifiers: ClinVar variation 389991 (VCV000389991.9), dbSNP rs747104908, ClinGen allele CA8400898.

ClinVar aggregate classification (germline): Likely benign. Review status: criteria provided, multiple submitters, no conflicts (2 of 4 stars). 2 submissions from 2 submitters: Likely benign (2). Last evaluated 2026-02-02.

Conditions:
Combined oxidative phosphorylation defect type 17. Also called: Combined oxidative phosphorylation deficiency 17. Identifiers: Orphanet 369913, MedGen C3809526, MONDO:0014190, OMIM 615440.

Allele frequency attached by ClinVar (database versions not stated): gnomAD 0.00006 and 0.00007; TOPMed 0.00008.
gnomAD v4.1: 105 of 1,614,046 alleles (0.0065%); highest among the groups gnomAD compares: East Asian, 0.036%; no homozygotes.

Submissions (2):

Labcorp Genetics (formerly Invitae), Labcorp
Classification: Likely benign for Combined oxidative phosphorylation defect type 17. Last evaluated: 2026-02-02. Review status: criteria provided, single submitter. Criteria: Invitae Variant Classification Sherloc (09022015). Collection method: clinical testing. Allele origin: germline.

GeneDx
Classification: Likely benign. Last evaluated: 2016-10-19. Review status: criteria provided, single submitter. Criteria: GeneDx Variant Classification (06012015). Collection method: clinical testing. Allele origin: germline. Affected: yes.
Comment: This variant is considered likely benign or benign based on one or more of the following criteria: it is a conservative change, it occurs at a poorly conserved position in the protein, it is predicted to be benign by multiple in silico algorithms, and/or has population frequency not consistent with disease.